The following is an entry in ClinVar:

ClinVar aggregate classification (germline): Uncertain significance (1 of 4 stars; one submission).

Submission:

Greenwood Genetic Center Diagnostic Laboratories, Greenwood Genetic Center
Classification: Uncertain significance. Last evaluated: 2024-06-11. Review status: criteria provided, single submitter. Criteria: ACMG Guidelines, 2015. Collection method: clinical testing. Allele origin: germline. Affected: yes.
Comment: PM2, BP4

NM_001205293.3(CACNA1E):c.1751+43T>A

Gene: CACNA1E (calcium voltage-gated channel subunit alpha1 E; plus strand). Cytogenetic location: 1q25.3.
Variant type: single nucleotide variant.
Coding change: c.1751+43T>A on transcript NM_001205293.3 (MANE Select); 43 bases into the intron after coding-DNA position 1751, T replaced by A.
Molecular consequence: intron variant.
Genome position (GRCh38, 1-based): chr1:181,719,906, T>A. VCF-style: chr1-181719906-T-A. GRCh37 (hg19) VCF-style: chr1-181689042-T-A.
Other names: c.1751+43T>A (NM_000721.4, NM_001205294.2).
Identifiers: ClinVar variation 3338554 (VCV003338554.1).